The following is an entry in ClinVar:

NM_025179.4(PLXNA2):c.5626C>T (p.Arg1876Trp)

Gene: PLXNA2 (plexin A2; minus strand). Cytogenetic location: 1q32.2.
Variant type: single nucleotide variant.
Coding change: c.5626C>T on transcript NM_025179.4 (MANE Select); coding-DNA position 5626, C replaced by T.
Protein change: p.Arg1876Trp; replaces arginine 1876 with tryptophan.
Molecular consequence: missense variant.
Genome position (GRCh38, 1-based): chr1:208,027,302, G>A on the plus strand (C>T on the coding strand, the complement: PLXNA2 is on the minus strand). VCF-style: chr1-208027302-G-A. GRCh37 (hg19) VCF-style: chr1-208200647-G-A.
Other names: short protein forms R1876W.
Identifiers: ClinVar variation 3934777 (VCV003934777.2).

ClinVar aggregate classification (germline): Uncertain significance. Review status: criteria provided, multiple submitters, no conflicts (2 of 4 stars). 2 submissions from 2 submitters: Uncertain significance (2). Last evaluated 2025-09-19.

Conditions:
PLXNA2-related disorder. Also called: PLXNA2-related condition.

gnomAD v4.1: 8 of 1,613,254 alleles (0.0005%); highest among the groups gnomAD compares: Admixed American, 0.0017%; no homozygotes.

Submissions (2):

PreventionGenetics, part of Exact Sciences
Classification: Uncertain significance for PLXNA2-related condition. Last evaluated: 2025-09-19. Review status: criteria provided, single submitter. Criteria: ACMG Guidelines, 2015. Collection method: clinical testing. Allele origin: germline.
Comment: The PLXNA2 c.5626C>T variant is predicted to result in the amino acid substitution p.Arg1876Trp. To our knowledge, this variant has not been reported in the literature. This variant is reported in 0.0029% of alleles in individuals of Latino descent in gnomAD. At this time, the clinical significance of this variant is uncertain due to the absence of conclusive functional and genetic evidence.

Ambry Genetics
Classification: Uncertain significance. Last evaluated: 2025-04-11. Review status: criteria provided, single submitter. Criteria: Ambry Variant Classification Scheme 2023. Collection method: clinical testing. Allele origin: germline.